The following is an entry in ClinVar:

ClinVar aggregate classification (germline): Uncertain significance. Review status: criteria provided, multiple submitters, no conflicts (2 of 4 stars). 2 submissions from 2 submitters: Uncertain significance (2). Last evaluated 2025-04-17.

Conditions:
Diamond-Blackfan anemia 5 (DBA5). Also called: RPL35A-Related Diamond-Blackfan Anemia. Identifiers: Orphanet 124, MedGen C2675859, MONDO:0012925, OMIM 612528.

Allele frequency attached by ClinVar (database versions not stated): gnomAD exomes below 0.00001; TOPMed 0.00003.
gnomAD v4.1: 1 of 1,614,084 alleles (0.000062%); highest among the groups gnomAD compares: African/African-American, 0.0013%; no homozygotes.

Submissions (2):

Labcorp Genetics (formerly Invitae), Labcorp
Classification: Uncertain significance for Diamond-Blackfan anemia 5. Last evaluated: 2025-04-17. Review status: criteria provided, single submitter. Criteria: Invitae Variant Classification Sherloc (09022015). Collection method: clinical testing. Allele origin: germline.
Comment: This sequence change falls in intron 4 of the RPL35A gene. It does not directly change the encoded amino acid sequence of the RPL35A protein. It affects a nucleotide within the consensus splice site. This variant is not present in population databases (gnomAD no frequency). This variant has not been reported in the literature in individuals affected with RPL35A-related conditions. ClinVar contains an entry for this variant (Variation ID: 572707). Variants that disrupt the consensus splice site are a relatively common cause of aberrant splicing (PMID: 17576681, 9536098). Algorithms developed to predict the effect of sequence changes on RNA splicing suggest that this variant may disrupt the consensus splice site. In summary, the available evidence is currently insufficient to determine the role of this variant in disease. Therefore, it has been classified as a Variant of Uncertain Significance.

Fulgent Genetics
Classification: Uncertain significance for Diamond-Blackfan anemia 5. Last evaluated: 2022-04-07. Review status: criteria provided, single submitter. Criteria: ACMG Guidelines, 2015. Collection method: clinical testing. Allele origin: unknown.

Literature cited by the submitters: PubMed 17576681 (cited by Labcorp Genetics (formerly Invitae), Labcorp); PubMed 9536098 (cited by Labcorp Genetics (formerly Invitae), Labcorp).

NM_000996.4(RPL35A):c.309+4A>T

Genes: DRC9 (dynein regulatory complex subunit 9; minus strand), RPL35A (ribosomal protein L35a; plus strand). Cytogenetic location: 3q29.
Variant type: single nucleotide variant.
Coding change: c.309+4A>T on transcript NM_000996.4 (MANE Select); 4 bases into the intron after coding-DNA position 309, A replaced by T.
Molecular consequence: intron variant.
Genome position (GRCh38, 1-based): chr3:197,954,151, A>T. VCF-style: chr3-197954151-A-T. GRCh37 (hg19) VCF-style: chr3-197681022-A-T.
Other names: c.-50+5378T>A (NM_001323028.2); c.-60+5378T>A (NM_032263.5); c.-375+5378T>A (NM_001323029.2); c.309+4A>T (NM_001316311.2).
Identifiers: ClinVar variation 572707 (VCV000572707.6), dbSNP rs1270507770, ClinGen allele CA891843088.